The following is an entry in ClinVar:

ClinVar aggregate classification (germline): Benign. Review status: criteria provided, multiple submitters, no conflicts (2 of 4 stars). 3 submissions from 3 submitters: Benign (2). 1 of the submissions does not count toward it. Last evaluated 2026-02-02.

Conditions:
TNNT3-related disorder. Also called: TNNT3-related condition.

Allele frequency attached by ClinVar (database versions not stated): 1000 Genomes Project 0.00080; 1000 Genomes Project 30x 0.00109; ESP Exome Variant Server 0.00152; ExAC 0.00155; gnomAD exomes 0.00192; gnomAD 0.00198 and 0.00202; TOPMed 0.00246.
gnomAD v4.1: 4,391 of 1,551,534 alleles (0.28%); highest among the groups gnomAD compares: Non-Finnish European, 0.34%; 7 homozygotes.

Submissions (3):

Labcorp Genetics (formerly Invitae), Labcorp
Classification: Benign. Last evaluated: 2026-02-02. Review status: criteria provided, single submitter. Criteria: Invitae Variant Classification Sherloc (09022015). Collection method: clinical testing. Allele origin: germline.

GeneDx
Classification: Benign. Last evaluated: 2020-11-11. Review status: criteria provided, single submitter. Criteria: GeneDx Variant Classification Process June 2021. Collection method: clinical testing. Allele origin: germline. Affected: yes.

PreventionGenetics, part of Exact Sciences
Classification: Benign for TNNT3-related condition. Last evaluated: 2020-03-30. Review status: no assertion criteria provided. Collection method: clinical testing. Allele origin: germline. Not counted in ClinVar's aggregate classification.
Comment: This variant is classified as benign based on ACMG/AMP sequence variant interpretation guidelines (Richards et al. 2015 PMID: 25741868, with internal and published modifications).

NM_006757.4(TNNT3):c.107-6G>A

Gene: TNNT3 (troponin T3, fast skeletal type; plus strand). Cytogenetic location: 11p15.5.
Variant type: single nucleotide variant.
Coding change: c.107-6G>A on transcript NM_006757.4 (MANE Select); 6 bases into the intron before coding-DNA position 107, G replaced by A.
Molecular consequence: intron variant.
Genome position (GRCh38, 1-based): chr11:1,929,804, G>A. VCF-style: chr11-1929804-G-A. GRCh37 (hg19) VCF-style: chr11-1951034-G-A.
Other names: c.83-6G>A (NM_001297646.2, NM_001042780.3, NM_001042782.3 and 2 more transcripts); c.140-6G>A (NM_001367846.1); c.116-6G>A (NM_001363561.2, NM_001367847.1); c.101-6G>A (NM_001042781.3, NM_001367843.1, NM_001367842.1); c.104-6G>A (NM_001367848.1); c.50-6G>A (NM_001367850.1); c.-98-6G>A (NM_001367851.1, NM_001367852.1); c.95-6G>A (NM_001367849.1).
Identifiers: ClinVar variation 303970 (VCV000303970.18), dbSNP rs200739738, ClinGen allele CA5816332.